The following is an entry in ClinVar:

NM_004333.6(BRAF):c.1591T>C (p.Trp531Arg)

Gene: BRAF (B-Raf proto-oncogene, serine/threonine kinase; minus strand). Cytogenetic location: 7q34.
Variant type: single nucleotide variant.
Coding change: c.1591T>C on transcript NM_004333.6 (MANE Select); coding-DNA position 1591, T replaced by C.
Protein change: p.Trp531Arg; replaces tryptophan 531 with arginine.
Molecular consequence: missense variant.
Genome position (GRCh38, 1-based): chr7:140,777,015, A>G on the plus strand (T>C on the coding strand, the complement: BRAF is on the minus strand). VCF-style: chr7-140777015-A-G. GRCh37 (hg19) VCF-style: chr7-140476815-A-G.
Other names: c.1591T>C, p.Trp531Arg (NM_001354609.2, NM_001378468.1, NM_001378474.1); c.1711T>C, p.Trp571Arg (NM_001374244.1, NM_001374258.1); c.1600T>C, p.Trp534Arg (NM_001378467.1); c.1525T>C, p.Trp509Arg (NM_001378469.1); c.1489T>C, p.Trp497Arg (NM_001378470.1); c.1480T>C, p.Trp494Arg (NM_001378471.1); c.1435T>C, p.Trp479Arg (NM_001378472.1, NM_001378473.1); c.1327T>C, p.Trp443Arg (NM_001378475.1); and 1 more; short protein forms W443R, W479R, W494R, W497R, W509R, W531R, W534R, W571R.
Identifiers: ClinVar variation 1685577 (VCV001685577.6), dbSNP rs2129018408, ClinGen allele CA369588177.

ClinVar aggregate classification (germline): Pathogenic/Likely pathogenic. Review status: criteria provided, multiple submitters, no conflicts (2 of 4 stars). 5 submissions from 5 submitters: Pathogenic (4); Likely pathogenic (1). Last evaluated 2025-06-17.

Conditions:
BRAF-related disorder. Also called: BRAF-related condition.
Colorectal cancer. Also called: Colorectal cancer, somatic; Malignant Colorectal Neoplasm. Identifiers: MedGen C0346629, MONDO:0005575, OMIM 114500.
RASopathy. Also called: rasopathies; Noonan spectrum disorder. Identifiers: Orphanet 536391, MedGen C5555857, MONDO:0021060.

Submissions (5):

3billion
Classification: Pathogenic for BRAF-related disorder. Last evaluated: 2025-06-17. Review status: criteria provided, single submitter. Criteria: ACMG Guidelines, 2015. Collection method: clinical testing. Allele origin: germline. Affected: yes.
Comment: The variant is not observed in the gnomAD v4.1.0 dataset. Predicted Consequence/Location: Missense variant. Missense changes are a common disease-causing mechanism. In silico tool predictions suggest damaging effect of the variant on gene or gene product [REVEL: 0.88 (>=0.6, sensitivity 0.68 and specificity 0.92); 3Cnet: 0.99 (> 0.75, sensitivity 0.96 and precision 0.92)]. The same nucleotide change resulting in the same amino acid change has been previously reported as pathogenic/likely pathogenic with strong evidence (ClinVar ID: VCV001685577 /PMID: 33300679). The variant has been previously reported as de novo in a similarly affected individual (PMID: 33300679). Different missense changes at the same codon (p.Trp531Cys, p.Trp531Leu, p.Trp531Ser) have been reported as pathogenic/likely pathogenic with strong evidence (ClinVar ID: VCV000029808, VCV000040379, VCV000265358, VCV000666569 /PMID: 19206169, 26633542 /3billion dataset). Therefore, this variant is classified as Pathogenic according to the recommendation of ACMG/AMP guideline.

Labcorp Genetics (formerly Invitae), Labcorp
Classification: Pathogenic for RASopathy. Last evaluated: 2024-03-15. Review status: criteria provided, single submitter. Criteria: Invitae Variant Classification Sherloc (09022015). Collection method: clinical testing. Allele origin: germline.
Comment: This sequence change replaces tryptophan, which is neutral and slightly polar, with arginine, which is basic and polar, at codon 531 of the BRAF protein (p.Trp531Arg). This variant is not present in population databases (gnomAD no frequency). This missense change has been observed in individual(s) with clinical features of Noonan syndrome (PMID: 33300679, 34643321; Invitae). In at least one individual the variant was observed to be de novo. ClinVar contains an entry for this variant (Variation ID: 1685577). Advanced modeling of protein sequence and biophysical properties (such as structural, functional, and spatial information, amino acid conservation, physicochemical variation, residue mobility, and thermodynamic stability) performed at Invitae indicates that this missense variant is expected to disrupt BRAF protein function with a positive predictive value of 80%. This variant disrupts the p.Trp531 amino acid residue in BRAF. Other variant(s) that disrupt this residue have been observed in individuals with BRAF-related conditions (PMID: 34643321), which suggests that this may be a clinically significant amino acid residue. For these reasons, this variant has been classified as Pathogenic.

GeneDx
Classification: Pathogenic. Last evaluated: 2022-08-29. Review status: criteria provided, single submitter. Criteria: GeneDx Variant Classification Process June 2021. Collection method: clinical testing. Allele origin: germline. Affected: yes.
Comment: Not observed at significant frequency in large population cohorts (gnomAD); Missense variants in this gene are often considered pathogenic (HGMD); In silico analysis supports that this missense variant has a deleterious effect on protein structure/function; This variant is associated with the following publications: (PMID: 33482860, 33300679)

Mendelics
Classification: Pathogenic for Colorectal cancer. Last evaluated: 2022-05-04. Review status: criteria provided, single submitter. Criteria: Mendelics Assertion Criteria 2019. Collection method: clinical testing. Allele origin: germline.

Blueprint Genetics
Classification: Likely pathogenic for BRAF-related disorders. Last evaluated: 2020-10-30. Review status: criteria provided, single submitter. Criteria: ACMG Guidelines, 2015. Collection method: clinical testing. Allele origin: germline. Affected: yes. Observed: 1 variant allele.

Literature cited by the submitters: PubMed 19206169 (cited by 3billion); PubMed 33300679 (cited by 3billion and Labcorp Genetics (formerly Invitae), Labcorp); PubMed 34643321 (cited by Labcorp Genetics (formerly Invitae), Labcorp).